The following is an entry in ClinVar:

NM_018191.4(RCBTB1):c.792G>C (p.Gln264His)

Gene: RCBTB1 (RCC1 and BTB domain containing protein 1; minus strand). Cytogenetic location: 13q14.2.
Variant type: single nucleotide variant.
Coding change: c.792G>C on transcript NM_018191.4 (MANE Select); coding-DNA position 792, G replaced by C.
Protein change: p.Gln264His; replaces glutamine 264 with histidine.
Molecular consequence: missense variant. On other transcripts: non-coding transcript variant (2).
Genome position (GRCh38, 1-based): chr13:49,551,388, C>G on the plus strand (G>C on the coding strand, the complement: RCBTB1 is on the minus strand). VCF-style: chr13-49551388-C-G. GRCh37 (hg19) VCF-style: chr13-50125524-C-G.
Other names: c.792G>C, p.Gln264His (NM_001352500.2, NM_001352501.2, NM_001352502.2 and 3 more transcripts); c.213G>C, p.Gln71His (NM_001352506.2); short protein forms Q264H, Q71H.
Identifiers: ClinVar variation 2071812 (VCV002071812.4), dbSNP rs2547430489, ClinGen allele CA388190471.
Genomic context (GRCh38, chr13:49,551,388, plus strand): 5'-TTCTTTCTCCACCATGATGTGTGCTGGGCTTAGCAGGTTATTTTTATTGCCAGTTCCCAG[C>G]TGCCCATATGTGTTAGCTCCCCAGGCATACAGCAAGCCCTCATCTGTTAGTGCTAGAGTA-3'
Protein context (NP_060661.3, residues 254-274): LYAWGANTYG[Gln264His]LGTGNKNNLL

ClinVar aggregate classification (germline): Uncertain significance (1 of 4 stars; one submission).

Allele frequency attached by ClinVar (database versions not stated): gnomAD exomes below 0.00001.
gnomAD v4.1: 1 of 1,614,222 alleles (0.000062%); highest among the groups gnomAD compares: African/African-American, 0.0013%; no homozygotes.

Submission:

Labcorp Genetics (formerly Invitae), Labcorp
Classification: Uncertain significance. Last evaluated: 2024-04-17. Review status: criteria provided, single submitter. Criteria: Invitae Variant Classification Sherloc (09022015). Collection method: clinical testing. Allele origin: germline.
Comment: This sequence change replaces glutamine, which is neutral and polar, with histidine, which is basic and polar, at codon 264 of the RCBTB1 protein (p.Gln264His). This variant is not present in population databases (gnomAD no frequency). This variant has not been reported in the literature in individuals affected with RCBTB1-related conditions. ClinVar contains an entry for this variant (Variation ID: 2071812). Advanced modeling of protein sequence and biophysical properties (such as structural, functional, and spatial information, amino acid conservation, physicochemical variation, residue mobility, and thermodynamic stability) performed at Invitae indicates that this missense variant is expected to disrupt RCBTB1 protein function with a positive predictive value of 80%. In summary, the available evidence is currently insufficient to determine the role of this variant in disease. Therefore, it has been classified as a Variant of Uncertain Significance.